The following is an entry in ClinVar:

ClinVar aggregate classification (germline): Uncertain significance. Review status: criteria provided, multiple submitters, no conflicts (2 of 4 stars). 4 submissions from 4 submitters: Uncertain significance (3). 1 of the submissions does not count toward it. Last evaluated 2026-01-17.

Conditions:
Dyskeratosis congenita, autosomal recessive 5 (DKCB5). Identifiers: MedGen C3554656, MONDO:0014076, OMIM 615190.
Pulmonary fibrosis and/or bone marrow failure, Telomere-related, 3. Also called: PULMONARY FIBROSIS AND/OR BONE MARROW FAILURE SYNDROME, TELOMERE-RELATED, 3. Identifiers: Orphanet 2032, MedGen C4225346, MONDO:0014613, OMIM 616373.
Dyskeratosis congenita. Identifiers: Orphanet 1775, MedGen C0265965, MONDO:0015780.

Allele frequency attached by ClinVar (database versions not stated): TOPMed 0.00003; gnomAD 0.00004; ESP Exome Variant Server 0.00008.
gnomAD v4.1: 44 of 1,612,410 alleles (0.0027%); highest among the groups gnomAD compares: African/African-American, 0.004%; no homozygotes.

Submissions (4):

Labcorp Genetics (formerly Invitae), Labcorp
Classification: Uncertain significance for Dyskeratosis congenita, autosomal recessive 5; Pulmonary fibrosis and/or bone marrow failure, Telomere-related, 3. Last evaluated: 2026-01-17. Review status: criteria provided, single submitter. Criteria: Invitae Variant Classification Sherloc (09022015). Collection method: clinical testing. Allele origin: germline.
Comment: This sequence change falls in intron 18 of the RTEL1 gene. It does not directly change the encoded amino acid sequence of the RTEL1 protein. This variant is present in population databases (rs374702981, gnomAD 0.006%). This variant has not been reported in the literature in individuals affected with RTEL1-related conditions. ClinVar contains an entry for this variant (Variation ID: 473908). Algorithms developed to predict the effect of sequence changes on RNA splicing suggest that this variant may disrupt the consensus splice site. In summary, the available evidence is currently insufficient to determine the role of this variant in disease. Therefore, it has been classified as a Variant of Uncertain Significance.

GeneDx
Classification: Uncertain significance. Last evaluated: 2024-08-20. Review status: criteria provided, single submitter. Criteria: GeneDx Variant Classification Process June 2021. Collection method: clinical testing. Allele origin: germline. Affected: yes.
Comment: In silico analysis supports a deleterious effect on splicing; Has not been previously published as pathogenic or benign to our knowledge

Laboratory for Molecular Medicine, Mass General Brigham Personalized Medicine
Classification: Uncertain significance. Last evaluated: 2018-03-01. Review status: criteria provided, single submitter. Criteria: LMM Criteria. Collection method: clinical testing. Allele origin: germline. Observed: 2 variant alleles.
Comment: The c.1668-8G>A variant in RTEL1 has not been previously reported in individuals with dyskeratosis congenita or pulmonary fibrosis, but has been identified in 7 /125882 of European 2/30774 South Asian chromosomes and by the Genome Aggregatio n Database (gnomAD; dbSNP rs374702981). This v ariant has been reported in ClinVar (Variation ID: 473908). This variant is loca ted in the 3' splice region. Computational tools suggest a possible impact to sp licing. However, this information is not predictive enough to determine pathogen icity. In summary, the clinical significance of the c.1668-8G>A variant is uncer tain. ACMG/AMP Criteria applied: PM2, PP3.

Natera, Inc.
Classification: Uncertain significance for Dyskeratosis congenita. Last evaluated: 2019-11-11. Review status: no assertion criteria provided. Collection method: clinical testing. Allele origin: germline. Not counted in ClinVar's aggregate classification.

NM_001283009.2(RTEL1):c.1596-8G>A

Genes: RTEL1 (regulator of telomere elongation helicase 1; plus strand), RTEL1-TNFRSF6B (RTEL1-TNFRSF6B readthrough (NMD candidate); plus strand). Cytogenetic location: 20q13.33.
Variant type: single nucleotide variant.
Coding change: c.1596-8G>A on transcript NM_001283009.2 (MANE Select); 8 bases into the intron before coding-DNA position 1596, G replaced by A.
Molecular consequence: intron variant.
Genome position (GRCh38, 1-based): chr20:63,688,131, G>A. VCF-style: chr20-63688131-G-A. GRCh37 (hg19) VCF-style: chr20-62319484-G-A.
Other names: c.927-8G>A (NM_001283010.1); c.1668-8G>A (NM_032957.5); c.1596-8G>A (NM_016434.4).
Identifiers: ClinVar variation 473908 (VCV000473908.12), dbSNP rs374702981, ClinGen allele CA9964873.